The following is an entry in ClinVar:

NM_014000.3(VCL):c.3153+6C>T

Gene: VCL (vinculin; plus strand). Cytogenetic location: 10q22.2.
Variant type: single nucleotide variant.
Coding change: c.3153+6C>T on transcript NM_014000.3 (MANE Select); 6 bases into the intron after coding-DNA position 3153, C replaced by T.
Molecular consequence: intron variant.
Genome position (GRCh38, 1-based): chr10:74,114,393, C>T. VCF-style: chr10-74114393-C-T. GRCh37 (hg19) VCF-style: chr10-75874151-C-T.
Other names: c.2949+6C>T (NM_003373.4).
Identifiers: ClinVar variation 2050184 (VCV002050184.3), dbSNP rs771007490, ClinGen allele CA5563375.
Genomic context (GRCh38, chr10:74,114,393, plus strand): 5'-CAAGGAGGTTGCCAAGCAGTGCACAGATAAACGGATTAGAACCAACCTCTTACAGGTACT[C>T]GGGGAAAGAGGCTGCGTGTGTGTGTGTGTGTGTGTGTGTGTGTGCGTGTGTGTGTGTGTT-3'

ClinVar aggregate classification (germline): Uncertain significance (1 of 4 stars; one submission).

Conditions:
Dilated cardiomyopathy 1W (CMD1W). Identifiers: Orphanet 154, MedGen C1969639, MONDO:0012667, OMIM 611407.

Allele frequency attached by ClinVar (database versions not stated): gnomAD exomes 0.00001; ExAC 0.00002; TOPMed 0.00009; gnomAD 0.00010.
gnomAD v4.1: 36 of 1,607,922 alleles (0.0022%); highest among the groups gnomAD compares: Admixed American, 0.039%; no homozygotes.

Submission:

Labcorp Genetics (formerly Invitae), Labcorp
Classification: Uncertain significance for Dilated cardiomyopathy 1W. Last evaluated: 2026-02-01. Review status: criteria provided, single submitter. Criteria: Invitae Variant Classification Sherloc (09022015). Collection method: clinical testing. Allele origin: germline.
Comment: This sequence change falls in intron 20 of the VCL gene. It does not directly change the encoded amino acid sequence of the VCL protein. It affects a nucleotide within the consensus splice site. This variant is present in population databases (rs771007490, gnomAD 0.03%). This variant has not been reported in the literature in individuals affected with VCL-related conditions. ClinVar contains an entry for this variant (Variation ID: 2050184). Variants that disrupt the consensus splice site are a relatively common cause of aberrant splicing (PMID: 17576681, 9536098). Algorithms developed to predict the effect of sequence changes on RNA splicing suggest that this variant is not likely to affect RNA splicing. In summary, the available evidence is currently insufficient to determine the role of this variant in disease. Therefore, it has been classified as a Variant of Uncertain Significance.

Literature cited by the submitters: PubMed 17576681; PubMed 9536098.